The following is an entry in ClinVar:

ClinVar aggregate classification (germline): Pathogenic (1 of 4 stars; one submission).

Submission:

Labcorp Genetics (formerly Invitae), Labcorp
Classification: Pathogenic. Last evaluated: 2023-01-26. Review status: criteria provided, single submitter. Criteria: Invitae Variant Classification Sherloc (09022015). Collection method: clinical testing. Allele origin: germline.
Comment: For these reasons, this variant has been classified as Pathogenic. This variant has not been reported in the literature in individuals affected with NKX2-1-related conditions. This variant is not present in population databases (gnomAD no frequency). This sequence change creates a premature translational stop signal (p.Pro67Argfs*26) in the NKX2-1 gene. It is expected to result in an absent or disrupted protein product. Loss-of-function variants in NKX2-1 are known to be pathogenic (PMID: 23430038, 24714694).

Literature cited by the submitters: PubMed 23430038; PubMed 24714694.

NM_001079668.3(NKX2-1):c.198_222del (p.Pro67fs)

Genes: NKX2-1 (NK2 homeobox 1; minus strand), SFTA3 (surfactant associated 3; minus strand). Cytogenetic location: 14q13.3.
Variant type: Deletion.
Coding change: c.198_222del on transcript NM_001079668.3 (MANE Select); coding-DNA positions 198 to 222, 25 bases deleted (TCCGCTGGCGGCGTACAGGCAGGGC).
Protein change: p.Pro67fs; shifts the reading frame from proline 67.
Molecular consequence: frameshift variant.
Genome position (GRCh38, 1-based): chr14:36,519,226-36,519,250, GCCCTGCCTGTACGCCGCCAGCGGA deleted on the plus strand (TCCGCTGGCGGCGTACAGGCAGGGC on the coding strand, the reverse complement: NKX2-1 is on the minus strand); deleting any 25 consecutive bases within chr14:36,519,226-36,519,254 gives the same sequence; the c. name uses the placement nearest the transcript's 3' end. VCF-style (leftmost placement, unchanged base first): chr14-36519225-GGCCCTGCCTGTACGCCGCCAGCGGA-G. GRCh37 (hg19) VCF-style: chr14-36988430-GGCCCTGCCTGTACGCCGCCAGCGGA-G.
Other names: c.108_132del, p.Pro37fs (NM_003317.4); short protein forms P37fs, P67fs.
Identifiers: ClinVar variation 2031146 (VCV002031146.4), dbSNP rs2502635934, ClinGen allele CA2580088225.